The following is an entry in ClinVar:

ClinVar aggregate classification (germline): Uncertain significance. Review status: criteria provided, multiple submitters, no conflicts (2 of 4 stars). 2 submissions from 2 submitters: Uncertain significance (2). Last evaluated 2025-09-11.

Conditions:
Inborn genetic diseases. Identifiers: MedGen C0950123, MeSH D030342.

Allele frequency attached by ClinVar (database versions not stated): gnomAD exomes 0.00001.
gnomAD v4.1: 16 of 1,611,292 alleles (0.00099%); highest among the groups gnomAD compares: Non-Finnish European, 0.0014%; no homozygotes.

Submissions (2):

Ambry Genetics
Classification: Uncertain significance for Inborn genetic diseases. Last evaluated: 2025-09-11. Review status: criteria provided, single submitter. Criteria: Ambry Variant Classification Scheme 2023. Collection method: clinical testing. Allele origin: germline.

Labcorp Genetics (formerly Invitae), Labcorp
Classification: Uncertain significance. Last evaluated: 2022-10-04. Review status: criteria provided, single submitter. Criteria: Invitae Variant Classification Sherloc (09022015). Collection method: clinical testing. Allele origin: germline.
Comment: Algorithms developed to predict the effect of missense changes on protein structure and function (SIFT, PolyPhen-2, Align-GVGD) all suggest that this variant is likely to be tolerated. In summary, the available evidence is currently insufficient to determine the role of this variant in disease. Therefore, it has been classified as a Variant of Uncertain Significance. This variant has not been reported in the literature in individuals affected with MPDZ-related conditions. This sequence change replaces valine, which is neutral and non-polar, with leucine, which is neutral and non-polar, at codon 674 of the MPDZ protein (p.Val674Leu). This variant is present in population databases (no rsID available, gnomAD 0.0009%).

NM_001378778.1(MPDZ):c.2020G>C (p.Val674Leu)

Gene: MPDZ (multiple PDZ domain crumbs cell polarity complex component; minus strand). Cytogenetic location: 9p23.
Variant type: single nucleotide variant.
Coding change: c.2020G>C on transcript NM_001378778.1 (MANE Select); coding-DNA position 2020, G replaced by C.
Protein change: p.Val674Leu; replaces valine 674 with leucine.
Molecular consequence: missense variant.
Genome position (GRCh38, 1-based): chr9:13,190,248, C>G on the plus strand (G>C on the coding strand, the complement: MPDZ is on the minus strand). VCF-style: chr9-13190248-C-G. GRCh37 (hg19) VCF-style: chr9-13190247-C-G.
Other names: c.2020G>C, p.Val674Leu (NM_001261406.2, NM_001261407.2, NM_001330637.2 and 14 more transcripts); c.2020G>C (NM_003829.3); short protein forms V674L.
Identifiers: ClinVar variation 1924680 (VCV001924680.6), dbSNP rs1423122461, ClinGen allele CA372938731.
Genomic context (GRCh38, chr9:13,190,248, plus strand): 5'-ACATGGCCAAAGGTGCTTGAACCTCTTCTGTACTCTGACCCGCATCAGTCATCGCCAGCA[C>G]TGGATCCTCTGTCTCTGATGACCCGATGAACTCACCTAGATCTACGTGAGGCTGGATAAT-3'
Protein context (NP_001365707.1, residues 664-684): FIGSSETEDP[Val674Leu]LAMTDAGQST